The following is an entry in ClinVar:

ClinVar aggregate classification (germline): Likely benign. Review status: criteria provided, multiple submitters, no conflicts (2 of 4 stars). 3 submissions from 3 submitters: Likely benign (2). 1 of the submissions does not count toward it. Last evaluated 2025-12-10.

Conditions:
Polyglandular autoimmune syndrome, type 1 (APS1). Also called: Autoimmune polyendocrine syndrome type 1; APS I; HYPOADRENOCORTICISM WITH HYPOPARATHYROIDISM AND SUPERFICIAL MONILIASIS; PGA I; Autoimmune polyendocrinopathy syndrome , type I, with or without reversible metaphyseal dysplasia; AUTOIMMUNE POLYENDOCRINE SYNDROME, TYPE I, WITH OR WITHOUT REVERSIBLE METAPHYSEAL DYSPLASIA. Identifiers: Orphanet 3453, MedGen C0085859, MONDO:0009411, OMIM 240300.

Allele frequency attached by ClinVar (database versions not stated): gnomAD exomes below 0.00001; TOPMed 0.00002; gnomAD 0.00003 and 0.00004.
gnomAD v4.1: 13 of 1,596,464 alleles (0.00081%); highest among the groups gnomAD compares: South Asian, 0.0011%; no homozygotes.

Submissions (3):

Labcorp Genetics (formerly Invitae), Labcorp
Classification: Likely benign for Polyglandular autoimmune syndrome, type 1. Last evaluated: 2025-12-10. Review status: criteria provided, single submitter. Criteria: Invitae Variant Classification Sherloc (09022015). Collection method: clinical testing. Allele origin: germline.

CeGaT Center for Human Genetics Tuebingen
Classification: Likely benign. Last evaluated: 2023-11-01. Review status: criteria provided, single submitter. Criteria: CeGaT Center For Human Genetics Tuebingen Variant Classification Criteria Version 2. Collection method: clinical testing. Allele origin: germline. Affected: yes. Observed: 1 variant allele.
Comment: AIRE: BP4, BP7

Natera, Inc.
Classification: Uncertain significance for Polyglandular autoimmune syndrome type 1. Last evaluated: 2020-02-13. Review status: no assertion criteria provided. Collection method: clinical testing. Allele origin: germline. Not counted in ClinVar's aggregate classification.

NM_000383.4(AIRE):c.1398C>T (p.Pro466=)

Gene: AIRE (autoimmune regulator; plus strand). Cytogenetic location: 21q22.3.
Variant type: single nucleotide variant.
Coding change: c.1398C>T on transcript NM_000383.4 (MANE Select); coding-DNA position 1398, C replaced by T.
Protein change: p.Pro466=; no amino-acid change (proline 466 retained).
Molecular consequence: synonymous variant.
Genome position (GRCh38, 1-based): chr21:44,293,908, C>T. VCF-style: chr21-44293908-C-T. GRCh37 (hg19) VCF-style: chr21-45713791-C-T.
Identifiers: ClinVar variation 743717 (VCV000743717.34), dbSNP rs1402673356, ClinGen allele CA512492086.